The following is an entry in ClinVar:

NM_001256627.2(BRSK2):c.1407C>G (p.Ser469Arg)

Gene: BRSK2 (BR serine/threonine kinase 2; plus strand). Cytogenetic location: 11p15.5.
Variant type: single nucleotide variant.
Coding change: c.1407C>G on transcript NM_001256627.2 (MANE Select); coding-DNA position 1407, C replaced by G.
Protein change: p.Ser469Arg; replaces serine 469 with arginine.
Molecular consequence: missense variant. On other transcripts: non-coding transcript variant (1).
Genome position (GRCh38, 1-based): chr11:1,450,706, C>G. VCF-style: chr11-1450706-C-G. GRCh37 (hg19) VCF-style: chr11-1471936-C-G.
Other names: c.1407C>G, p.Ser469Arg (NM_001256629.2, NM_003957.4); c.1545C>G, p.Ser515Arg (NM_001256630.1); c.1227C>G, p.Ser409Arg (NM_001282218.2); short protein forms S409R, S469R, S515R.
Identifiers: ClinVar variation 3026933 (VCV003026933.22), dbSNP rs780090052, ClinGen allele CA379075204.
Genomic context (GRCh38, chr11:1,450,706, plus strand): 5'-CCACACGCCAAAGGAGAGCCCGGCTGGCACGCCCAACCCCACGCCCCCGTCCAGCCCCAG[C>G]GTCGGAGGGGTGCCCTGGAGGGCGCGGCTCAACTCCATCAAGAACAGCTTTCTGGGCTCA-3'
Protein context (NP_001243556.1, residues 459-479): TPNPTPPSSP[Ser469Arg]VGGVPWRARL

ClinVar aggregate classification (germline): Uncertain significance (1 of 4 stars; one submission).

Submission:

CeGaT Center for Human Genetics Tuebingen
Classification: Uncertain significance. Last evaluated: 2024-01-01. Review status: criteria provided, single submitter. Criteria: CeGaT Center For Human Genetics Tuebingen Variant Classification Criteria Version 2. Collection method: clinical testing. Allele origin: germline. Affected: yes. Observed: 1 variant allele.
Comment: BRSK2: PM2